The following is an entry in ClinVar:

NM_052845.4(MMAB):c.*1657G>A

Gene: MMAB (metabolism of cobalamin associated B; minus strand). Cytogenetic location: 12q24.11.
Variant type: single nucleotide variant.
Coding change: c.*1657G>A on transcript NM_052845.4 (MANE Select); 1657 bases downstream of the stop codon, G replaced by A.
Molecular consequence: 3 prime UTR variant. On other transcripts: non-coding transcript variant (1).
Genome position (GRCh38, 1-based): chr12:109,555,371, C>T on the plus strand (G>A on the coding strand, the complement: MMAB is on the minus strand). VCF-style: chr12-109555371-C-T. GRCh37 (hg19) VCF-style: chr12-109993176-C-T.
Identifiers: ClinVar variation 307029 (VCV000307029.6), dbSNP rs111869218, ClinGen allele CA6778609.
Genomic context (GRCh38, chr12:109,555,371, plus strand): 5'-CTCACTCTATCAGCCAGGCTGGAGTGTCGTGTCACGATCTTGGCTCACTGCAGCCTCTGC[C>T]TCGTAGGTTCAAGTGATTCTCCTGCCTCAGCCTCCTGAATAGCTGGGATTACAGGCACCC-3'

ClinVar aggregate classification (germline): Benign. Review status: criteria provided, multiple submitters, no conflicts (2 of 4 stars). 2 submissions from 2 submitters: Benign (2). Last evaluated 2018-01-12.

Conditions:
Methylmalonic aciduria, cblB type (MACB). Also called: Vitamin B12-responsive methylmalonic acidemia type cblB; METHYLMALONIC ACIDURIA, VITAMIN B12-RESPONSIVE, DUE TO DEFECT IN SYNTHESIS OF ADENOSYLCOBALAMIN, cblB TYPE; Methylmalonic acidemia cblB type. Identifiers: Orphanet 28, Orphanet 79311, MedGen C1855102, MONDO:0009614, OMIM 251110.

Allele frequency attached by ClinVar (database versions not stated): gnomAD 0.05172 and 0.05010; 1000 Genomes Project 0.03255; 1000 Genomes Project 30x 0.03357; gnomAD exomes 0.05001 and 0.04220; ExAC 0.02904; TOPMed 0.04495.
gnomAD v4.1: 21,253 of 424,670 alleles (5%); highest among the groups gnomAD compares: Non-Finnish European, 6.4%; 804 homozygotes.

Submissions (2):

Illumina Laboratory Services, Illumina
Classification: Benign for Methylmalonic aciduria, cblB type. Last evaluated: 2018-01-12. Review status: criteria provided, single submitter. Criteria: ICSL Variant Classification Criteria 13 December 2019. Collection method: clinical testing. Allele origin: germline.
Comment: This variant was observed in the ICSL laboratory as part of a predisposition screen in an ostensibly healthy population. It had not been previously curated by ICSL or reported in the Human Gene Mutation Database (HGMD: prior to June 1st, 2018), and was therefore a candidate for classification through an automated scoring system. Utilizing variant allele frequency, disease prevalence and penetrance estimates, and inheritance mode, an automated score was calculated to assess if this variant is too frequent to cause the disease. Based on the score and internal cut-off values, a variant classified as benign is not then subjected to further curation. The score for this variant resulted in a classification of benign for this disease.

Breakthrough Genomics
Classification: Benign. Review status: criteria provided, single submitter. Criteria: ACMG Guidelines, 2015. Collection method: not provided. Allele origin: germline. Inheritance: Autosomal recessive inheritance. Affected: yes.